The following is an entry in ClinVar:

ClinVar aggregate classification (germline): Benign. Review status: criteria provided, multiple submitters, no conflicts (2 of 4 stars). 11 submissions from 11 submitters: Benign (8). 3 of the submissions do not count toward it. Last evaluated 2026-02-04.

Conditions:
Hereditary sensory neuropathy-deafness-dementia syndrome. Also called: Hereditary Sensory and Autonomic Neuropathy Type 1E (HSAN1E); Hereditary sensory neuropathy type IE; NEUROPATHY, HEREDITARY SENSORY, WITH HEARING LOSS AND DEMENTIA; HSN IE. Identifiers: Orphanet 456318, MedGen C3279885, MONDO:0013584, OMIM 614116.

Allele frequency attached by ClinVar (database versions not stated): ESP Exome Variant Server 0.08627; gnomAD exomes 0.08903 and 0.13842; gnomAD 0.10575 and 0.11283; TOPMed 0.12154; ExAC 0.13196; 1000 Genomes Project 30x 0.19800; 1000 Genomes Project 0.19828.
gnomAD v4.1: 148,211 of 1,612,042 alleles (9.2%); highest among the groups gnomAD compares: East Asian, 37%; 10,725 homozygotes.

Submissions (11):

Labcorp Genetics (formerly Invitae), Labcorp
Classification: Benign for Hereditary sensory neuropathy-deafness-dementia syndrome. Last evaluated: 2026-02-04. Review status: criteria provided, single submitter. Criteria: Invitae Variant Classification Sherloc (09022015). Collection method: clinical testing. Allele origin: germline.

Blueprint Genetics
Classification: Benign. Last evaluated: 2024-11-28. Review status: criteria provided, single submitter. Criteria: ACMG Guidelines, 2015. Collection method: clinical testing. Allele origin: germline.

Mayo Clinic Laboratories, Mayo Clinic
Classification: Benign. Last evaluated: 2020-06-18. Review status: criteria provided, single submitter. Criteria: ACMG Guidelines, 2015. Collection method: clinical testing. Allele origin: germline. Observed: 370 variant alleles.

Illumina Laboratory Services, Illumina
Classification: Benign for Hereditary sensory neuropathy-deafness-dementia syndrome. Last evaluated: 2018-01-13. Review status: criteria provided, single submitter. Criteria: ICSL Variant Classification Criteria 13 December 2019. Collection method: clinical testing. Allele origin: germline.
Comment: This variant was observed in the ICSL laboratory as part of a predisposition screen in an ostensibly healthy population. It had not been previously curated by ICSL or reported in the Human Gene Mutation Database (HGMD: prior to June 1st, 2018), and was therefore a candidate for classification through an automated scoring system. Utilizing variant allele frequency, disease prevalence and penetrance estimates, and inheritance mode, an automated score was calculated to assess if this variant is too frequent to cause the disease. Based on the score and internal cut-off values, a variant classified as benign is not then subjected to further curation. The score for this variant resulted in a classification of benign for this disease.

Eurofins Ntd Llc (ga)
Classification: Benign. Last evaluated: 2015-09-22. Review status: criteria provided, single submitter. Criteria: EGL Classification Definitions 2015. Collection method: clinical testing. Allele origin: germline. Observed: 1 variant allele, 1 heterozygote.

GeneDx
Classification: Benign. Last evaluated: 2013-12-11. Review status: criteria provided, single submitter. Criteria: GeneDx Variant Classification (06012015). Collection method: clinical testing. Allele origin: germline. Affected: yes.
Comment: This variant is considered likely benign or benign based on one or more of the following criteria: it is a conservative change, it occurs at a poorly conserved position in the protein, it is predicted to be benign by multiple in silico algorithms, and/or has population frequency not consistent with disease.

Breakthrough Genomics
Classification: Benign. Review status: criteria provided, single submitter. Criteria: ACMG Guidelines, 2015. Collection method: not provided. Allele origin: germline. Inheritance: Autosomal dominant inheritance. Affected: yes.

PreventionGenetics, part of Exact Sciences
Classification: Benign. Review status: criteria provided, single submitter. Criteria: ACMG Guidelines, 2015. Collection method: clinical testing. Allele origin: germline.

Clinical Genetics DNA and cytogenetics Diagnostics Lab, Erasmus MC, Erasmus Medical Center
Classification: Benign. Review status: no assertion criteria provided. Collection method: clinical testing. Allele origin: germline. Affected: yes. Study: VKGL Data-share Consensus. Not counted in ClinVar's aggregate classification.

Clinical Genetics, Academic Medical Center
Classification: Benign. Review status: no assertion criteria provided. Collection method: clinical testing. Allele origin: germline. Affected: yes. Study: VKGL Data-share Consensus. Not counted in ClinVar's aggregate classification.

Joint Genome Diagnostic Labs from Nijmegen and Maastricht, Radboudumc and MUMC+
Classification: Benign. Review status: no assertion criteria provided. Collection method: clinical testing. Allele origin: germline. Affected: yes. Study: VKGL Data-share Consensus. Not counted in ClinVar's aggregate classification.

NM_001130823.3(DNMT1):c.979A>G (p.Ile327Val)

Gene: DNMT1 (DNA methyltransferase 1; minus strand). Cytogenetic location: 19p13.2.
Variant type: single nucleotide variant.
Coding change: c.979A>G on transcript NM_001130823.3 (MANE Select); coding-DNA position 979, A replaced by G.
Protein change: p.Ile327Val; replaces isoleucine 327 with valine.
Molecular consequence: missense variant.
Genome position (GRCh38, 1-based): chr19:10,162,696, T>C on the plus strand (A>G on the coding strand, the complement: DNMT1 is on the minus strand). VCF-style: chr19-10162696-T-C. GRCh37 (hg19) VCF-style: chr19-10273372-T-C.
Other names: p.I327V:ATT>GTT; p.Ile327Val; c.931A>G, p.Ile311Val (NM_001318730.2, NM_001379.4); c.616A>G, p.Ile206Val (NM_001318731.2); c.979A>G (LRG_362t1); short protein forms I327V, I206V, I311V.
Identifiers: ClinVar variation 137133 (VCV000137133.26), dbSNP rs2228612, ClinGen allele CA290658.
Genomic context (GRCh38, chr19:10,162,696, plus strand): 5'-AAAAAGAAAGAAAGAAAAGTGAGACCTTTACCTTTTCATCCTCGTCTTTTTCATCAGAAA[T>C]CTGTGGATTTACTTTTTCAGGTTCTTTTTCTTCGGGCCTCCGTTTGGCAGCTCTGCAGGG-3'
Protein context (NP_001124295.1, residues 317-337): EKEPEKVNPQ[Ile327Val]SDEKDEDEKE